The following is an entry in ClinVar:

ClinVar aggregate classification (germline): Pathogenic (1 of 4 stars; one submission).

Conditions:
Glycine encephalopathy. Also called: Nonketotic hyperglycinemia; Non-ketotic hyperglycinemia. Identifiers: Orphanet 407, MedGen C0751748, MONDO:0011612, HP:0008288.

Submission:

Labcorp Genetics (formerly Invitae), Labcorp
Classification: Pathogenic for Glycine encephalopathy. Last evaluated: 2020-03-08. Review status: criteria provided, single submitter. Criteria: Invitae Variant Classification Sherloc (09022015). Collection method: clinical testing. Allele origin: germline.
Comment: This sequence change affects an acceptor splice site in intron 2 of the AMT gene. It is expected to disrupt RNA splicing and likely results in an absent or disrupted protein product. This variant is not present in population databases (ExAC no frequency). Disruption of this splice site has been observed in individual(s) with glycine encephalopathy (PMID: 30105116, 19299230). Algorithms developed to predict the effect of sequence changes on RNA splicing suggest that this variant may disrupt the consensus splice site, but this prediction has not been confirmed by published transcriptional studies. Donor and acceptor splice site variants typically lead to a loss of protein function (PMID: 16199547), and loss-of-function variants in AMT are known to be pathogenic (PMID: 16450403). For these reasons, this variant has been classified as Pathogenic.

Literature cited by the submitters: PubMed 30105116; PubMed 19299230; PubMed 16199547; PubMed 16450403.

NM_000481.4(AMT):c.259-2A>C

Gene: AMT (aminomethyltransferase; minus strand). Cytogenetic location: 3p21.31.
Variant type: single nucleotide variant.
Coding change: c.259-2A>C on transcript NM_000481.4 (MANE Select); the canonical splice acceptor site of the intron before coding-DNA position 259, A replaced by C.
Molecular consequence: splice acceptor variant.
Genome position (GRCh38, 1-based): chr3:49,421,574, T>G on the plus strand (A>C on the coding strand, the complement: AMT is on the minus strand). VCF-style: chr3-49421574-T-G. GRCh37 (hg19) VCF-style: chr3-49459007-T-G.
Other names: c.91-2A>C (NM_001164711.2); c.259-2A>C (NM_001164710.2, NM_001164712.2).
Identifiers: ClinVar variation 1069420 (VCV001069420.5), dbSNP rs748522054, ClinGen allele CA352790998.